The following is an entry in ClinVar:

ClinVar aggregate classification (germline): Uncertain significance. Review status: criteria provided, multiple submitters, no conflicts (2 of 4 stars). 2 submissions from 2 submitters: Uncertain significance (2). Last evaluated 2022-10-13.

Conditions:
Emery-Dreifuss muscular dystrophy 4, autosomal dominant (EDMD4). Also called: EMERY-DREIFUSS MUSCULAR DYSTROPHY 4 WITH VARIABLE FEATURES. Identifiers: Orphanet 261, MedGen C2751807, MONDO:0013071, OMIM 612998.
Autosomal recessive ataxia, Beauce type. Also called: SYNE1-Related Autosomal Recessive Cerebellar Ataxia; Spinocerebellar ataxia, autosomal recessive 8; ATAXIA, RECESSIVE, OF BEAUCE; SYNE1 Deficiency. Identifiers: Orphanet 88644, MedGen C1853116, MONDO:0012549, OMIM 610743.

Allele frequency attached by ClinVar (database versions not stated): gnomAD exomes 0.00002 and 0.00004; ExAC 0.00003.
gnomAD v4.1: 23 of 1,614,256 alleles (0.0014%); highest among the groups gnomAD compares: South Asian, 0.024%; no homozygotes.

Submissions (2):

Labcorp Genetics (formerly Invitae), Labcorp
Classification: Uncertain significance for Emery-Dreifuss muscular dystrophy 4, autosomal dominant; Autosomal recessive ataxia, Beauce type. Last evaluated: 2022-10-13. Review status: criteria provided, single submitter. Criteria: Invitae Variant Classification Sherloc (09022015). Collection method: clinical testing. Allele origin: germline.
Comment: In summary, the available evidence is currently insufficient to determine the role of this variant in disease. Therefore, it has been classified as a Variant of Uncertain Significance. Algorithms developed to predict the effect of missense changes on protein structure and function output the following: SIFT: "Deleterious"; PolyPhen-2: "Benign"; Align-GVGD: "Class C15". The valine amino acid residue is found in multiple mammalian species, which suggests that this missense change does not adversely affect protein function. ClinVar contains an entry for this variant (Variation ID: 471008). This variant has not been reported in the literature in individuals affected with SYNE1-related conditions. This variant is present in population databases (rs763218931, gnomAD 0.04%). This sequence change replaces methionine, which is neutral and non-polar, with valine, which is neutral and non-polar, at codon 5736 of the SYNE1 protein (p.Met5736Val).

Eurofins Ntd Llc (ga)
Classification: Uncertain significance. Last evaluated: 2016-10-05. Review status: criteria provided, single submitter. Criteria: EGL Classification Definitions 2015. Collection method: clinical testing. Allele origin: germline. Observed: 1 variant allele, 1 heterozygote.

NM_182961.4(SYNE1):c.17419A>G (p.Met5807Val)

Genes: SYNE1 (spectrin repeat containing nuclear envelope protein 1; minus strand), LOC129997480 (ATAC-STARR-seq lymphoblastoid active region 25287; plus strand). Cytogenetic location: 6q25.2.
Variant type: single nucleotide variant.
Coding change: c.17419A>G on transcript NM_182961.4 (MANE Select); coding-DNA position 17419, A replaced by G.
Protein change: p.Met5807Val; replaces methionine 5807 with valine.
Molecular consequence: missense variant.
Genome position (GRCh38, 1-based): chr6:152,301,991, T>C on the plus strand (A>G on the coding strand, the complement: SYNE1 is on the minus strand). VCF-style: chr6-152301991-T-C. GRCh37 (hg19) VCF-style: chr6-152623126-T-C.
Other names: c.17206A>G, p.Met5736Val (NM_033071.5); short protein forms M5736V, M5807V.
Identifiers: ClinVar variation 471008 (VCV000471008.12), dbSNP rs763218931, ClinGen allele CA4055230.